The following is an entry in ClinVar:

ClinVar aggregate classification (germline): Conflicting classifications of pathogenicity. Review status: criteria provided, conflicting classifications (1 of 4 stars). 12 submissions from 11 submitters: Uncertain significance (9); Benign (1). 2 of the submissions do not count toward it. Last evaluated 2025-12-08.

Conditions:
Inborn genetic diseases. Identifiers: MedGen C0950123, MeSH D030342.
PTH1R-related disorder. Also called: PTH1R-related condition.
Metaphyseal chondrodysplasia, Jansen type. Also called: PTH1R-Related Jansen Metaphyseal Chondrodysplasia; Metaphyseal chondrodysplasia Murk Jansen type. Identifiers: Orphanet 33067, MedGen C0265295, MONDO:0007982, OMIM 156400.
Chondrodysplasia Blomstrand type (BOCD). Identifiers: Orphanet 50945, MedGen C1859148, MONDO:0008970, OMIM 215045.
Connective tissue disorder. Also called: Connective tissue disease. Identifiers: MedGen C0009782, MONDO:0003900.
Primary failure of tooth eruption. Also called: DENTAL NONERUPTION; PRIMARY RETENTION OF TEETH; POSTERIOR OPENBITE MALOCCLUSION, FAMILIAL; UNERUPTED SECOND PRIMARY MOLAR. Identifiers: Orphanet 412206, MedGen C1852222, MONDO:0007434, OMIM 125350.
Eiken syndrome (EKNS). Also called: BONE MODELING DEFECT OF HANDS AND FEET. Identifiers: Orphanet 79106, MedGen C1838779, MONDO:0010803, OMIM 600002.

Allele frequency attached by ClinVar (database versions not stated): 1000 Genomes Project 30x 0.00016; 1000 Genomes Project 0.00020; ExAC 0.00040; gnomAD exomes 0.00042; TOPMed 0.00050; gnomAD 0.00061; ESP Exome Variant Server 0.00138.

Submissions (12):

PreventionGenetics, part of Exact Sciences
Classification: Uncertain significance for PTH1R-related condition. Last evaluated: 2025-12-08. Review status: criteria provided, single submitter. Criteria: ACMG Guidelines, 2015. Collection method: clinical testing. Allele origin: germline.
Comment: The PTH1R c.226G>C variant is predicted to result in the amino acid substitution p.Gly76Arg. To our knowledge, this variant has not been reported in the literature. This variant is reported in 0.086% of alleles in individuals of European (Non-Finnish) descent in gnomAD. Although we suspect that this variant may be benign, at this time, the clinical significance of this variant is uncertain due to the absence of conclusive functional and genetic evidence.

Labcorp Genetics (formerly Invitae), Labcorp
Classification: Uncertain significance. Last evaluated: 2025-11-20. Review status: criteria provided, single submitter. Criteria: Invitae Variant Classification Sherloc (09022015). Collection method: clinical testing. Allele origin: germline.
Comment: This sequence change replaces glycine, which is neutral and non-polar, with arginine, which is basic and polar, at codon 76 of the PTH1R protein (p.Gly76Arg). This variant is present in population databases (rs148414587, gnomAD 0.09%), and has an allele count higher than expected for a pathogenic variant. This variant has not been reported in the literature in individuals affected with PTH1R-related conditions. ClinVar contains an entry for this variant (Variation ID: 345580). An algorithm developed to predict the effect of missense changes on protein structure and function (PolyPhen-2) suggests that this variant is likely to be tolerated. In summary, the available evidence is currently insufficient to determine the role of this variant in disease. Therefore, it has been classified as a Variant of Uncertain Significance.

Blueprint Genetics
Classification: Uncertain significance. Last evaluated: 2024-11-21. Review status: criteria provided, single submitter. Criteria: ACMG Guidelines, 2015. Collection method: clinical testing. Allele origin: germline.

Ambry Genetics
Classification: Uncertain significance for Inborn genetic diseases. Last evaluated: 2023-10-12. Review status: criteria provided, single submitter. Criteria: Ambry Variant Classification Scheme 2023. Collection method: clinical testing. Allele origin: germline.

Department of Pathology and Laboratory Medicine, Sinai Health System
Classification: Uncertain significance for Primary failure of tooth eruption; Metaphyseal chondrodysplasia, Jansen type; Chondrodysplasia Blomstrand type; Eiken syndrome. Last evaluated: 2023-09-26. Review status: criteria provided, single submitter. Criteria: ACMG Guidelines, 2015. Collection method: research. Allele origin: germline.

GeneDx
Classification: Uncertain significance. Last evaluated: 2023-07-17. Review status: criteria provided, single submitter. Criteria: GeneDx Variant Classification Process June 2021. Collection method: clinical testing. Allele origin: germline. Affected: yes.
Comment: Has not been previously published as pathogenic or benign to our knowledge; In silico analysis supports that this missense variant does not alter protein structure/function

Genome Diagnostics Laboratory, The Hospital for Sick Children
Classification: Uncertain significance for Connective tissue disorder. Last evaluated: 2022-03-11. Review status: criteria provided, single submitter. Criteria: ACMG Guidelines, 2015. Collection method: clinical testing. Allele origin: germline.

ARUP Laboratories, Molecular Genetics and Genomics, ARUP Laboratories
Classification: Uncertain significance. Last evaluated: 2020-04-13. Review status: criteria provided, single submitter. Criteria: ARUP Molecular Germline Variant Investigation Process. Collection method: clinical testing. Allele origin: germline.
Comment: The PTH1R c.226G>C; p.Gly76Arg variant (rs148414587), to our knowledge, is not reported in the medical literature but is reported in ClinVar (Variation ID: 345580). This variant is found in the non-Finnish European population with an overall allele frequency of 0.09% (111/129170 alleles) in the Genome Aggregation Database. The glycine at codon 76 is moderately conserved, and computational analyses (SIFT: damaging, PolyPhen-2: benign) predict conflicting effects of this variant on protein structure/function. However, given the lack of clinical and functional data, the significance of the p.Gly76Arg variant is uncertain at this time.

Illumina Laboratory Services, Illumina
Classification: Benign for Metaphyseal chondrodysplasia, Jansen type. Last evaluated: 2018-01-12. Review status: criteria provided, single submitter. Criteria: ICSL Variant Classification Criteria 13 December 2019. Collection method: clinical testing. Allele origin: germline.
Comment: This variant was observed in the ICSL laboratory as part of a predisposition screen in an ostensibly healthy population. It had not been previously curated by ICSL or reported in the Human Gene Mutation Database (HGMD: prior to June 1st, 2018), and was therefore a candidate for classification through an automated scoring system. Utilizing variant allele frequency, disease prevalence and penetrance estimates, and inheritance mode, an automated score was calculated to assess if this variant is too frequent to cause the disease. Based on the score and internal cut-off values, a variant classified as benign is not then subjected to further curation. The score for this variant resulted in a classification of benign for this disease.

Illumina Laboratory Services, Illumina
Classification: Uncertain significance for Chondrodysplasia Blomstrand type. Last evaluated: 2018-01-12. Review status: criteria provided, single submitter. Criteria: ICSL Variant Classification Criteria 13 December 2019. Collection method: clinical testing. Allele origin: germline.

Clinical Genetics DNA and cytogenetics Diagnostics Lab, Erasmus MC, Erasmus Medical Center
Classification: Uncertain significance. Review status: no assertion criteria provided. Collection method: clinical testing. Allele origin: germline. Affected: yes. Study: VKGL Data-share Consensus. Not counted in ClinVar's aggregate classification.

Diagnostic Laboratory, Department of Genetics, University Medical Center Groningen
Classification: Uncertain significance. Review status: no assertion criteria provided. Collection method: clinical testing. Allele origin: germline. Affected: yes. Study: VKGL Data-share Consensus. Not counted in ClinVar's aggregate classification.

NM_000316.3(PTH1R):c.226G>C (p.Gly76Arg)

Gene: PTH1R (parathyroid hormone 1 receptor; plus strand). Cytogenetic location: 3p21.31.
Variant type: single nucleotide variant.
Coding change: c.226G>C on transcript NM_000316.3 (MANE Select); coding-DNA position 226, G replaced by C.
Protein change: p.Gly76Arg; replaces glycine 76 with arginine.
Molecular consequence: missense variant.
Genome position (GRCh38, 1-based): chr3:46,895,782, G>C. VCF-style: chr3-46895782-G-C. GRCh37 (hg19) VCF-style: chr3-46937272-G-C.
Other names: c.226G>C, p.Gly76Arg (NM_001184744.1); short protein forms G76R.
Identifiers: ClinVar variation 345580 (VCV000345580.28), dbSNP rs148414587, ClinGen allele CA2359123.
Genomic context (GRCh38, chr3:46,895,782, plus strand): 5'-CTGGTTTCTCCAGCCAGCATAATGGAATCAGACAAGGGATGGACATCTGCGTCCACATCA[G>C]GGAAGCCCAGGAAAGATAAGGCATCTGGGAAGCTCTACCCTGAGTCTGAGGAGGACAAGG-3'
Protein context (NP_000307.1, residues 66-86): DKGWTSASTS[Gly76Arg]KPRKDKASGK